The following is an entry in ClinVar:

NM_000179.3(MSH6):c.490C>A (p.His164Asn)

Gene: MSH6 (mutS homolog 6; plus strand). Cytogenetic location: 2p16.3.
Variant type: single nucleotide variant.
Coding change: c.490C>A on transcript NM_000179.3 (MANE Select); coding-DNA position 490, C replaced by A.
Protein change: p.His164Asn; replaces histidine 164 with asparagine.
Molecular consequence: missense variant. On other transcripts: 5 prime UTR variant (1), intron variant (2).
Genome position (GRCh38, 1-based): chr2:47,795,926, C>A. VCF-style: chr2-47795926-C-A. GRCh37 (hg19) VCF-style: chr2-48023065-C-A.
Other names: c.-413C>A (NM_001281494.2); c.586C>A, p.His196Asn (NM_001406795.1, NM_001406802.1); c.490C>A, p.His164Asn (NM_001406796.1, NM_001406798.1, NM_001406800.1 and 5 more transcripts); c.193C>A, p.His65Asn (NM_001406797.1, NM_001406801.1, NM_001406805.1 and 10 more transcripts); c.-36C>A (NM_001406799.1, NM_001406806.1, NM_001406807.1); c.412C>A, p.His138Asn (NM_001406804.1); c.496C>A, p.His166Asn (NM_001406813.1); c.-505C>A (NM_001406814.1); and 3 more; short protein forms H138N, H166N, H196N, H164N, H108N, H65N.
Identifiers: ClinVar variation 1744027 (VCV001744027.5), dbSNP rs568685193, ClinGen allele CA346738622.

ClinVar aggregate classification (germline): Uncertain significance. Review status: criteria provided, multiple submitters, no conflicts (2 of 4 stars). 2 submissions from 2 submitters: Uncertain significance (2). Last evaluated 2025-07-30.

Conditions:
Hereditary nonpolyposis colorectal neoplasms. Identifiers: MedGen C0009405, MeSH D003123.
Hereditary cancer-predisposing syndrome. Also called: Hereditary Cancer Syndrome; Neoplastic Syndromes, Hereditary; Tumor predisposition; Hereditary neoplastic syndrome. Identifiers: Orphanet 140162, MedGen C0027672, MeSH D009386, MONDO:0015356.

Submissions (2):

Labcorp Genetics (formerly Invitae), Labcorp
Classification: Uncertain significance for Hereditary nonpolyposis colorectal neoplasms. Last evaluated: 2025-07-30. Review status: criteria provided, single submitter. Criteria: Invitae Variant Classification Sherloc (09022015). Collection method: clinical testing. Allele origin: germline.
Comment: This sequence change replaces histidine, which is basic and polar, with asparagine, which is neutral and polar, at codon 164 of the MSH6 protein (p.His164Asn). This variant is not present in population databases (gnomAD no frequency). This variant has not been reported in the literature in individuals affected with MSH6-related conditions. ClinVar contains an entry for this variant (Variation ID: 1744027). Invitae Evidence Modeling of protein sequence and biophysical properties (such as structural, functional, and spatial information, amino acid conservation, physicochemical variation, residue mobility, and thermodynamic stability) indicates that this missense variant is not expected to disrupt MSH6 protein function with a negative predictive value of 95%. In summary, the available evidence is currently insufficient to determine the role of this variant in disease. Therefore, it has been classified as a Variant of Uncertain Significance.

Ambry Genetics
Classification: Uncertain significance for Hereditary cancer-predisposing syndrome. Last evaluated: 2022-06-16. Review status: criteria provided, single submitter. Criteria: Ambry Variant Classification Scheme 2023. Collection method: clinical testing. Allele origin: germline.
Comment: The p.H164N variant (also known as c.490C>A), located in coding exon 3 of the MSH6 gene, results from a C to A substitution at nucleotide position 490. The histidine at codon 164 is replaced by asparagine, an amino acid with similar properties. This amino acid position is conserved. In addition, this alteration is predicted to be tolerated by in silico analysis. Since supporting evidence is limited at this time, the clinical significance of this alteration remains unclear.